The following is an entry in ClinVar:

NM_001130144.3(LTBP3):c.1312_1313delinsAT (p.Ala438Met)

Gene: LTBP3 (latent transforming growth factor beta binding protein 3; minus strand). Cytogenetic location: 11q13.1.
Variant type: Indel.
Coding change: c.1312_1313delinsAT on transcript NM_001130144.3 (MANE Select); coding-DNA positions 1312 to 1313, GC replaced by AT.
Protein change: p.Ala438Met; replaces alanine 438 with methionine.
Molecular consequence: missense variant.
Genome position (GRCh38, 1-based): chr11:65,552,280-65,552,281, GC replaced by AT on the plus strand (GC replaced by AT on the coding strand, the reverse complement: LTBP3 is on the minus strand). VCF-style: chr11-65552280-GC-AT. GRCh37 (hg19) VCF-style: chr11-65319751-GC-AT.
Other names: c.961_962delinsAT, p.Ala321Met (NM_001164266.1); c.1312_1313delinsAT, p.Ala438Met (NM_021070.4); short protein forms A321M, A438M.
Identifiers: ClinVar variation 2873935 (VCV002873935.3), dbSNP rs2496169937, ClinGen allele CA2739270533.

ClinVar aggregate classification (germline): Uncertain significance (1 of 4 stars; one submission).

Conditions:
Brachyolmia-amelogenesis imperfecta syndrome. Also called: PLATYSPONDYLY WITH AMELOGENESIS IMPERFECTA; Tooth agenesis, selective, 6; Dental anomalies and short stature. Identifiers: Orphanet 2899, MedGen C1832594, MONDO:0011018, OMIM 601216. Disease mechanism: loss of function.

Submission:

Labcorp Genetics (formerly Invitae), Labcorp
Classification: Uncertain significance for Brachyolmia-amelogenesis imperfecta syndrome. Last evaluated: 2024-09-12. Review status: criteria provided, single submitter. Criteria: Invitae Variant Classification Sherloc (09022015). Collection method: clinical testing. Allele origin: germline.
Comment: This sequence change replaces alanine, which is neutral and non-polar, with methionine, which is neutral and non-polar, at codon 438 of the LTBP3 protein (p.Ala438Met). The frequency data for this variant in the population databases is considered unreliable, as metrics indicate poor data quality at this position in the gnomAD database. This variant has not been reported in the literature in individuals affected with LTBP3-related conditions. An algorithm developed to predict the effect of missense changes on protein structure and function (PolyPhen-2) suggests that this variant is likely to be disruptive. In summary, the available evidence is currently insufficient to determine the role of this variant in disease. Therefore, it has been classified as a Variant of Uncertain Significance.